The following is an entry in ClinVar:

ClinVar aggregate classification (germline): Uncertain significance. Review status: criteria provided, multiple submitters, no conflicts (2 of 4 stars). 2 submissions from 2 submitters: Uncertain significance (2). Last evaluated 2024-03-25.

Conditions:
Inborn genetic diseases. Identifiers: MedGen C0950123, MeSH D030342.
Charcot-Marie-Tooth disease, type I (CMT1). Also called: Charcot-Marie-Tooth, Type 1; Charcot-Marie-Tooth disease type 1. Identifiers: Orphanet 65753, MedGen C0751036, MONDO:0019011.

Allele frequency attached by ClinVar (database versions not stated): gnomAD exomes 0.00001.

Submissions (2):

Ambry Genetics
Classification: Uncertain significance for Inborn genetic diseases. Last evaluated: 2024-03-25. Review status: criteria provided, single submitter. Criteria: Ambry Variant Classification Scheme 2023. Collection method: clinical testing. Allele origin: germline.

Labcorp Genetics (formerly Invitae), Labcorp
Classification: Uncertain significance for Charcot-Marie-Tooth disease, type I. Last evaluated: 2022-06-20. Review status: criteria provided, single submitter. Criteria: Invitae Variant Classification Sherloc (09022015). Collection method: clinical testing. Allele origin: germline.
Comment: In summary, the available evidence is currently insufficient to determine the role of this variant in disease. Therefore, it has been classified as a Variant of Uncertain Significance. Algorithms developed to predict the effect of missense changes on protein structure and function are either unavailable or do not agree on the potential impact of this missense change (SIFT: "Not Available"; PolyPhen-2: "Benign"; Align-GVGD: "Not Available"). ClinVar contains an entry for this variant (Variation ID: 1001167). This variant has not been reported in the literature in individuals affected with EGR2-related conditions. This variant is not present in population databases (gnomAD no frequency). This sequence change replaces glutamic acid, which is acidic and polar, with lysine, which is basic and polar, at codon 290 of the EGR2 protein (p.Glu290Lys).

NM_000399.5(EGR2):c.868G>A (p.Glu290Lys)

Gene: EGR2 (early growth response 2; minus strand). Cytogenetic location: 10q21.3.
Variant type: single nucleotide variant.
Coding change: c.868G>A on transcript NM_000399.5 (MANE Select); coding-DNA position 868, G replaced by A.
Protein change: p.Glu290Lys; replaces glutamic acid 290 with lysine.
Molecular consequence: missense variant.
Genome position (GRCh38, 1-based): chr10:62,813,770, C>T on the plus strand (G>A on the coding strand, the complement: EGR2 is on the minus strand). VCF-style: chr10-62813770-C-T. GRCh37 (hg19) VCF-style: chr10-64573530-C-T.
Other names: c.868G>A (NM_000399.3); c.868G>A, p.Glu290Lys (NM_001136177.3, NM_001136178.2); c.718G>A, p.Glu240Lys (NM_001136179.3, NM_001321037.2); short protein forms E240K, E290K.
Identifiers: ClinVar variation 1001167 (VCV001001167.7), dbSNP rs1842182998, ClinGen allele CA377028567.
Genomic context (GRCh38, chr10:62,813,770, plus strand): 5'-AGGCGGCGGCGGCGGCGGCTGCTGCTGCTGCTGAGCTGCTACCAGGCAGCCGGGGTCCCT[C>T]GCTGCCTCCACTGGCCCCTGGTCCGGTCACCCCAGCACTGGGGCCCCCCAGGGTAAAGTT-3'
Protein context (NP_000390.2, residues 280-300): VTGPGASGGS[Glu290Lys]GPRLPGSSSA